The following is an entry in ClinVar:

NM_004415.4(DSP):c.1413A>G (p.Gln471=)

Gene: DSP (desmoplakin; plus strand). Cytogenetic location: 6p24.3.
Variant type: single nucleotide variant.
Coding change: c.1413A>G on transcript NM_004415.4 (MANE Select); coding-DNA position 1413, A replaced by G.
Protein change: p.Gln471=; no amino-acid change (glutamine 471 retained).
Molecular consequence: synonymous variant.
Genome position (GRCh38, 1-based): chr6:7,568,583, A>G. VCF-style: chr6-7568583-A-G. GRCh37 (hg19) VCF-style: chr6-7568816-A-G.
Other names: c.1413A>G, p.Gln471= (NM_001008844.3, NM_001319034.2).
Identifiers: ClinVar variation 919140 (VCV000919140.11), dbSNP rs376983987, ClinGen allele CA027899.
Genomic context (GRCh38, chr6:7,568,583, plus strand): 5'-TAACCCAGACTACAGAAGCAATAAACCCATTATTCTCAGAGCTCTCTGTGACTACAAACA[A>G]GATCAGGTGTGTACTCATTTAGAATGATACAAAAGTTTTCCCTGTCTTTACACACAAATT-3'
Protein context (NP_004406.2, residues 461-481): IILRALCDYK[Gln471=]DQKIVHKGDE

ClinVar aggregate classification (germline): Benign/Likely benign. Review status: criteria provided, multiple submitters, no conflicts (2 of 4 stars). 4 submissions from 4 submitters: Benign (1); Likely benign (3). Last evaluated 2025-11-23.

Conditions:
Arrhythmogenic cardiomyopathy with wooly hair and keratoderma. Also called: PALMOPLANTAR KERATODERMA WITH LEFT VENTRICULAR CARDIOMYOPATHY AND WOOLLY HAIR; Carvajal syndrome; Dilated cardiomyopathy with woolly hair and keratoderma; Arrhythmogenic cardiomyopathy with woolly hair and keratoderma. Identifiers: Orphanet 65282, MedGen C1854063, MONDO:0011581, OMIM 605676.
Cardiomyopathy (CMYO). Also called: Cardiomyopathies. Identifiers: Orphanet 167848, MedGen C0878544, MONDO:0004994, HP:0001638. Inheritance: Various modes of inheritance.
Cardiovascular phenotype. Identifiers: MedGen CN230736.
Arrhythmogenic right ventricular dysplasia 8 (ARVD8). Also called: Arrhythmogenic Right Ventricular Dysplasia/Cardiomyopathy 8; ARRHYTHMOGENIC RIGHT VENTRICULAR DYSPLASIA, FAMILIAL, 8; ARRHYTHMOGENIC RIGHT VENTRICULAR CARDIOMYOPATHY 8. Identifiers: MedGen C1843896, MONDO:0011831, OMIM 607450.

Allele frequency attached by ClinVar (database versions not stated): ExAC 0.00001; gnomAD exomes 0.00001 and 0.00004; TOPMed 0.00002; gnomAD 0.00003 and 0.00004; ESP Exome Variant Server 0.00008.
gnomAD v4.1: 68 of 1,613,800 alleles (0.0042%); highest among the groups gnomAD compares: Non-Finnish European, 0.0053%; no homozygotes.

Submissions (4):

Labcorp Genetics (formerly Invitae), Labcorp
Classification: Benign for Arrhythmogenic cardiomyopathy with wooly hair and keratoderma; Arrhythmogenic right ventricular dysplasia 8. Last evaluated: 2025-11-23. Review status: criteria provided, single submitter. Criteria: Invitae Variant Classification Sherloc (09022015). Collection method: clinical testing. Allele origin: germline.

All of Us Research Program, National Institutes of Health
Classification: Likely benign for Arrhythmogenic cardiomyopathy with wooly hair and keratoderma. Last evaluated: 2024-01-08. Review status: criteria provided, single submitter. Criteria: ACMG Guidelines, 2015. Collection method: clinical testing. Allele origin: germline. Inheritance: Autosomal dominant inheritance. Observed: 14 variant alleles, 14 heterozygotes.
Comment: This study involves interpretation of variants in research participants for the purpose of population health screening. Participant phenotype was not available at the time of variant classification. Additional details can be found in publication PMID: 35346344, PMCID: PMC8962531

Ambry Genetics
Classification: Likely benign for Cardiovascular phenotype. Last evaluated: 2023-02-25. Review status: criteria provided, single submitter. Criteria: Ambry Variant Classification Scheme 2023. Collection method: clinical testing. Allele origin: germline.

Color Diagnostics, LLC DBA Color Health
Classification: Likely benign for Cardiomyopathy. Last evaluated: 2018-12-31. Review status: criteria provided, single submitter. Criteria: ACMG Guidelines, 2015. Collection method: clinical testing. Allele origin: germline.